The following is an entry in ClinVar:

ClinVar aggregate classification (germline): Benign. Review status: criteria provided, multiple submitters, no conflicts (2 of 4 stars). 2 submissions from 2 submitters: Benign (2). Last evaluated 2025-07-22.

Allele frequency attached by ClinVar (database versions not stated): 1000 Genomes Project 0.01018; 1000 Genomes Project 30x 0.01077; TOPMed 0.02168; gnomAD 0.02225 and 0.02305.

Submissions (2):

ARUP Laboratories, Molecular Genetics and Genomics, ARUP Laboratories
Classification: Benign. Last evaluated: 2025-07-22. Review status: criteria provided, single submitter. Criteria: ARUP Molecular Germline Variant Investigation Process 2024. Collection method: clinical testing. Allele origin: germline.

CeGaT Center for Human Genetics Tuebingen
Classification: Benign. Last evaluated: 2025-06-01. Review status: criteria provided, single submitter. Criteria: CeGaT Center For Human Genetics Tuebingen Variant Classification Criteria Version 2. Collection method: clinical testing. Allele origin: germline. Affected: yes. Observed: 2 variant alleles.
Comment: VWF: BS1, BS2

NC_000012.12:g.6125718G>A

Gene: VWF (von Willebrand factor; minus strand). Cytogenetic location: 12p13.31.
Variant type: single nucleotide variant.
Genome position: GRCh38 VCF-style: chr12-6125718-G-A. GRCh37 (hg19) VCF-style: chr12-6234884-G-A.
Identifiers: ClinVar variation 806812 (VCV000806812.48), dbSNP rs151088025, ClinGen allele CA13641549.